The following is an entry in ClinVar:

NM_012233.3(RAB3GAP1):c.1326+1G>A

Gene: RAB3GAP1 (RAB3 GTPase activating protein catalytic subunit 1; plus strand). Cytogenetic location: 2q21.3.
Variant type: single nucleotide variant.
Coding change: c.1326+1G>A on transcript NM_012233.3 (MANE Select); the canonical splice donor site of the intron after coding-DNA position 1326, G replaced by A.
Molecular consequence: splice donor variant.
Genome position (GRCh38, 1-based): chr2:135,132,985, G>A. VCF-style: chr2-135132985-G-A. GRCh37 (hg19) VCF-style: chr2-135890555-G-A.
Other names: c.1326+1G>A (NM_001172435.2).
Identifiers: ClinVar variation 504399 (VCV000504399.2), dbSNP rs1553447023, ClinGen allele CA348575212.

ClinVar aggregate classification (germline): Uncertain significance (1 of 4 stars; one submission).

Submission:

GeneDx
Classification: Uncertain significance. Last evaluated: 2018-03-05. Review status: criteria provided, single submitter. Criteria: GeneDx Variant Classification (06012015). Collection method: clinical testing. Allele origin: germline. Affected: yes.
Comment: The c.1326+1G>A variant in the RAB3GAP1 gene has not been reported previously as a pathogenic variant nor as a benign variant, to our knowledge. This splice site variant destroys the canonical splice donor site in intron 14. It is predicted to cause abnormal gene splicing, either leading to an abnormal message that is subject to nonsense-mediated mRNA decay, or to an abnormal protein product if the message is used for protein translation. The c.1326+1G>A variant is not observed in large population cohorts (Lek et al., 2016). We interpret c.1326+1G>A as a variant of uncertain significance